The following is an entry in ClinVar:

NM_024009.3(GJB3):c.166A>C (p.Lys56Gln)

Gene: GJB3 (gap junction protein beta 3; plus strand). Cytogenetic location: 1p34.3.
Variant type: single nucleotide variant.
Coding change: c.166A>C on transcript NM_024009.3 (MANE Select); coding-DNA position 166, A replaced by C.
Protein change: p.Lys56Gln; replaces lysine 56 with glutamine.
Molecular consequence: missense variant.
Genome position (GRCh38, 1-based): chr1:34,784,928, A>C. VCF-style: chr1-34784928-A-C. GRCh37 (hg19) VCF-style: chr1-35250529-A-C.
Other names: c.166A>C, p.Lys56Gln (NM_001005752.2); short protein forms K56Q.
Identifiers: ClinVar variation 449491 (VCV000449491.2), dbSNP rs746219527, ClinGen allele CA754768.
Genomic context (GRCh38, chr1:34,784,928, plus strand): 5'-TACGTGGTGGCTGCAGAGCGCGTGTGGGGGGATGAGCAGAAGGACTTTGACTGCAACACC[A>C]AGCAGCCCGGCTGCACCAACGTCTGCTACGACAACTACTTCCCCATCTCCAACATCCGCC-3'
Protein context (NP_076872.1, residues 46-66): DEQKDFDCNT[Lys56Gln]QPGCTNVCYD

ClinVar aggregate classification (germline): Uncertain significance (1 of 4 stars; one submission).

Allele frequency attached by ClinVar (database versions not stated): ExAC 0.00002; gnomAD exomes 0.00001.
gnomAD v4.1: 10 of 1,614,156 alleles (0.00062%); highest among the groups gnomAD compares: Non-Finnish European, 0.00076%; no homozygotes.

Submission:

GeneDx
Classification: Uncertain significance. Last evaluated: 2017-08-03. Review status: criteria provided, single submitter. Criteria: GeneDx Variant Classification (06012015). Collection method: clinical testing. Allele origin: germline. Affected: yes.
Comment: The K56Q variant in the GJB3 gene has been reported previously in the heterozygous state in two German individuals with hearing loss (Beck et al., 2014); no additional clinical or familial segregation information was provided. The K56Q variant is observed in 2/66718 (0.003%) alleles from individuals of non-Finnish European background in the ExAC dataset (Lek et al., 2016). The K56Q variant is a semi-conservative amino acid substitution, which may impact secondary protein structure as these residues differ in some properties. This substitution occurs at a position that is not conserved. In silico analysis is inconsistent in its predictions as to whether or not the variant is damaging to the protein structure/function. We interpret K56Q as a variant of uncertain significance.